The following is an entry in ClinVar:

NM_000363.5(TNNI3):c.433C>G (p.Arg145Gly)

Gene: TNNI3 (troponin I3, cardiac type; minus strand). Cytogenetic location: 19q13.42.
Variant type: single nucleotide variant.
Coding change: c.433C>G on transcript NM_000363.5 (MANE Select); coding-DNA position 433, C replaced by G.
Protein change: p.Arg145Gly; replaces arginine 145 with glycine.
Molecular consequence: missense variant.
Genome position (GRCh38, 1-based): chr19:55,154,146, G>C on the plus strand (C>G on the coding strand, the complement: TNNI3 is on the minus strand). VCF-style: chr19-55154146-G-C. GRCh37 (hg19) VCF-style: chr19-55665514-G-C.
Other names: short protein forms R145G.
Identifiers: ClinVar variation 12419 (VCV000012419.19), dbSNP rs104894724, ClinGen allele CA021660.

ClinVar aggregate classification (germline): Pathogenic. Review status: criteria provided, multiple submitters, no conflicts (2 of 4 stars). 7 submissions from 7 submitters: Pathogenic (6). 1 of the submissions does not count toward it. Last evaluated 2024-01-04.

Conditions:
Cardiovascular phenotype. Identifiers: MedGen CN230736.
Cardiomyopathy (CMYO). Also called: Cardiomyopathies. Identifiers: Orphanet 167848, MedGen C0878544, MONDO:0004994, HP:0001638. Inheritance: Various modes of inheritance.
Hypertrophic cardiomyopathy 7. Also called: TNNI3-Related Familial Hypertrophic Cardiomyopathy; Familial hypertrophic cardiomyopathy 7; CARDIOMYOPATHY, FAMILIAL HYPERTROPHIC, 7, MODIFIER OF. Identifiers: MedGen C1860752, MONDO:0013369, OMIM 613690.
Hypertrophic cardiomyopathy. Also called: HYPERTROPHIC MYOCARDIOPATHY. Identifiers: Orphanet 217569, MedGen C0007194, MeSH D002312, MONDO:0005045, HP:0001639.

gnomAD v4.1: 1 of 1,613,130 alleles (0.000062%); highest among the groups gnomAD compares: Non-Finnish European, 0.000085%; no homozygotes.

Submissions (7):

GeneDx
Classification: Pathogenic. Last evaluated: 2024-01-04. Review status: criteria provided, single submitter. Criteria: GeneDx Variant Classification Process June 2021. Collection method: clinical testing. Allele origin: germline. Affected: yes.
Comment: Not observed at significant frequency in large population cohorts (gnomAD); Transgenic mouse model expressing p.(R145G) showed cardiomyocyte disarray, interstitial fibrosis and premature death, as well as increased CA2+ sensitivity (PMID: 11055985); In silico analysis supports that this missense variant has a deleterious effect on protein structure/function; This variant is associated with the following publications: (PMID: 10806205, 11735257, 11724573, 15718266, 16531415, 17932326, 24418317, 19289050, 22500102, 20161772, 20641121, 9241277, 26391394, 21310275, 25606687, 27532257, 29760186, 28498465, 11801593, 18430738, 34018815, 33407484, 11055985)

Labcorp Genetics (formerly Invitae), Labcorp
Classification: Pathogenic for Hypertrophic cardiomyopathy. Last evaluated: 2023-08-06. Review status: criteria provided, single submitter. Criteria: Invitae Variant Classification Sherloc (09022015). Collection method: clinical testing. Allele origin: germline.
Comment: Experimental studies have shown that this missense change affects TNNI3 function (PMID: 10806205, 11724573, 11735257, 15718266, 19289050, 22500102, 26391394). This sequence change replaces arginine, which is basic and polar, with glycine, which is neutral and non-polar, at codon 145 of the TNNI3 protein (p.Arg145Gly). This variant is not present in population databases (gnomAD no frequency). This missense change has been observed in individual(s) with hypertrophic cardiomyopathy (PMID: 9241277, 20641121). It has also been observed to segregate with disease in related individuals. ClinVar contains an entry for this variant (Variation ID: 12419). An algorithm developed to predict the effect of missense changes on protein structure and function (PolyPhen-2) suggests that this variant is likely to be disruptive. This variant disrupts the p.Arg145 amino acid residue in TNNI3. Other variant(s) that disrupt this residue have been determined to be pathogenic (PMID: 16531415, 18423659, 19289050, 19651143, 21533915, 23283745, 27532257, 27557662). This suggests that this residue is clinically significant, and that variants that disrupt this residue are likely to be disease-causing. For these reasons, this variant has been classified as Pathogenic.

Victorian Clinical Genetics Services, Murdoch Childrens Research Institute
Classification: Pathogenic for Hypertrophic cardiomyopathy 7. Last evaluated: 2021-05-06. Review status: criteria provided, single submitter. Criteria: ACMG Guidelines, 2015. Collection method: clinical testing. Allele origin: germline. Inheritance: Autosomal dominant inheritance. Affected: yes.
Comment: Based on the classification scheme VCGS_Germline_v1.3.4, this variant is classified as Pathogenic. Following criteria are met: 0103 - Both loss- and gain-of-function are known mechanisms of disease for this gene, where missense have been functionally proven to cause both mechanisms (PMID: 21533915). (I) 0107 - This gene is associated with autosomal dominant disease. Only a single family has been reported with a recessive form of inheritance (PMID 15070570). (I) 0112 - The condition associated with this gene has incomplete penetrance (PMID: 15607392). (I) 0200 - Variant is predicted to result in a missense amino acid change from arginine to glycine. (I) 0251 - This variant is heterozygous. (I) 0301 - Variant is absent from gnomAD (both v2 and v3). (SP) 0309 - Multiple alternative amino acid changes at the same position has been observed in gnomAD v2 (Highest allele count: 4 heterozygotes, 0 homozygotes). (I) 0501 - Missense variant consistently predicted to be damaging by multiple in silico tools or highly conserved with a major amino acid change. (SP) 0600 - Variant is located in the annotated Troponin domain (DECIPHER, PDB, NCBI). (I) 0701 - Other missense variants comparable to the one identified in this case have very strong previous evidence for pathogenicity. p.(Arg145Gln) and p.(Arg145Trp) have been reported in cardiomyopathy patients (ClinVar). (SP) 0801 - This variant has strong previous evidence of pathogenicity in unrelated individuals. Several patients with hypertrophic cardiomyopathy (HCM) and restrictive cardiomyopathy (RCM) have been reported to harbour this variant (ClinVar; PMID: 20641121). (SP) 0902 - This variant has moderate evidence for segregation with disease. This variant has been shown to segregate in a large hypertrophic cardiomyopathy Chinese family with a total of 5 genotyped affecteds (PMID: 20641121). SP) 1002 - This variant has moderate functional evidence supporting abnormal protein function. In vitro assays demonstrated loss of inhibitory functions towards actin-myosin interactions (PMID: 11801593). (I) Legend: (SP) - Supporting pathogenic, (I) - Information, (SB) - Supporting benign

CHEO Genetics Diagnostic Laboratory, Children's Hospital of Eastern Ontario
Classification: Pathogenic for Cardiomyopathy. Last evaluated: 2020-04-07. Review status: criteria provided, single submitter. Criteria: ACMG Guidelines, 2015. Collection method: clinical testing. Allele origin: germline.

Laboratory for Molecular Medicine, Mass General Brigham Personalized Medicine
Classification: Pathogenic for Hypertrophic cardiomyopathy. Last evaluated: 2019-01-31. Review status: criteria provided, single submitter. Criteria: LMM Criteria. Collection method: clinical testing. Allele origin: germline. Inheritance: Autosomal dominant inheritance. Observed: 1 variant allele.
Comment: The p.Arg145Gly variant in TNNI3 has been reported in 3 individuals with HCM and segregated with disease in 10 affected relatives from 2 families (Kimura 1997, Choi 2010, LMM data). This variant was absent from large population studies. In vitro functional studies provide some evidence that the p.Arg145Gly variant may impact protein function (Elliott 2000, Deng 2001, Kruger 2005, Robinson 2007). This variant was predicted to be pathogenic using a computational tool clinically validated by our laboratory. This tool's pathogenic prediction is estimated to be correct 94% of the time (Jordan 2011). Additionally, two other disease-causing variants have been reported in this codon (p.Arg145Trp, p.Arg145Gln), further suppporting that changes in this codon are not tolerated. In summary, this variant meets criteria to be classified as pathogenic for HCM in an autosomal dominant manner based upon segregation studies, absence from controls, and functional evidence. ACMG/AMP Criteria applied: PP1_Strong; PM2; PM5; PS3_Moderate; PP3; PS4_Supporting.

Ambry Genetics
Classification: Pathogenic for Cardiovascular phenotype. Last evaluated: 2015-12-21. Review status: criteria provided, single submitter. Criteria: Ambry General Variant Classification Scheme_2022. Collection method: clinical testing. Allele origin: germline. Observed: 1 variant allele.
Comment: The p.R145G pathogenic mutation (also known as c.433C>G), located in coding exon 7 of the TNNI3 gene, results from a C to G substitution at nucleotide position 433. The arginine at codon 145 is replaced by glycine, an amino acid with dissimilar properties. In addition, other alterations affecting the same amino acid, p.R145Q (c.434G>A) and p.R145W (c.433C>T), have been reported in association with HCM and restrictive cardiomyopathy (Mogensen et al. J Clin Invest. 2003;111(2):209-16; Mogensen et al. J Am Coll Cardiol. 2004;44(12):2315-25). Furthermore, in vitro studies and transgenic mouse models suggest that this mutation results in slowed rate and reduced ability of cardiac fibers to relax in the absence of calcium (James et al. Circ Res. 2000; 87(9):805-11; Lang et al. J Biol Chem. 2002;277(14):11670-8; Wen et al. J Biol Chem. 2008;283(29):20484-94). Based on the supporting evidence, p.R145G is interpreted as a disease-causing mutation.

OMIM
Classification: Pathogenic for CARDIOMYOPATHY, FAMILIAL HYPERTROPHIC, 7. Last evaluated: 2008-07-18. Review status: no assertion criteria provided. Collection method: literature only. Allele origin: germline. Not counted in ClinVar's aggregate classification.

Literature cited by the submitters: PubMed 10806205 (cited by Labcorp Genetics (formerly Invitae), Labcorp and Laboratory for Molecular Medicine, Mass General Brigham Personalized Medicine); PubMed 11724573 (cited by Labcorp Genetics (formerly Invitae), Labcorp and Laboratory for Molecular Medicine, Mass General Brigham Personalized Medicine); PubMed 11735257 (cited by Labcorp Genetics (formerly Invitae), Labcorp); PubMed 15718266 (cited by Labcorp Genetics (formerly Invitae), Labcorp and Laboratory for Molecular Medicine, Mass General Brigham Personalized Medicine); PubMed 19289050 (cited by Labcorp Genetics (formerly Invitae), Labcorp); PubMed 22500102 (cited by Labcorp Genetics (formerly Invitae), Labcorp); PubMed 26391394 (cited by Labcorp Genetics (formerly Invitae), Labcorp); PubMed 9241277 (cited by 4 submitters); PubMed 20641121 (cited by 4 submitters); PubMed 16531415 (cited by Labcorp Genetics (formerly Invitae), Labcorp and Laboratory for Molecular Medicine, Mass General Brigham Personalized Medicine); PubMed 18423659 (cited by Labcorp Genetics (formerly Invitae), Labcorp); PubMed 19651143 (cited by Labcorp Genetics (formerly Invitae), Labcorp); PubMed 21533915 (cited by Labcorp Genetics (formerly Invitae), Labcorp and Victorian Clinical Genetics Services, Murdoch Childrens Research Institute); PubMed 23283745 (cited by Labcorp Genetics (formerly Invitae), Labcorp); PubMed 27532257 (cited by Labcorp Genetics (formerly Invitae), Labcorp); PubMed 27557662 (cited by Labcorp Genetics (formerly Invitae), Labcorp); PubMed 11801593 (cited by 4 submitters); PubMed 15070570 (cited by Victorian Clinical Genetics Services, Murdoch Childrens Research Institute); PubMed 15607392 (cited by Victorian Clinical Genetics Services, Murdoch Childrens Research Institute and Ambry Genetics); PubMed 14575308 (cited by Laboratory for Molecular Medicine, Mass General Brigham Personalized Medicine); PubMed 11853553 (cited by Laboratory for Molecular Medicine, Mass General Brigham Personalized Medicine); PubMed 12044157 (cited by Laboratory for Molecular Medicine, Mass General Brigham Personalized Medicine); PubMed 16274223 (cited by Laboratory for Molecular Medicine, Mass General Brigham Personalized Medicine); PubMed 18548271 (cited by Laboratory for Molecular Medicine, Mass General Brigham Personalized Medicine); PubMed 17932326 (cited by Laboratory for Molecular Medicine, Mass General Brigham Personalized Medicine); PubMed 10731705 (cited by Laboratory for Molecular Medicine, Mass General Brigham Personalized Medicine); PubMed 18430738 (cited by 3 submitters); PubMed 11055985 (cited by Ambry Genetics); PubMed 12531876 (cited by Ambry Genetics); PubMed 26199943 (cited by Ambry Genetics).